The following is an entry in ClinVar:

NM_006270.5(RRAS):c.200C>T (p.Thr67Met)

Gene: RRAS (RAS related; minus strand). Cytogenetic location: 19q13.33.
Variant type: single nucleotide variant.
Coding change: c.200C>T on transcript NM_006270.5 (MANE Select); coding-DNA position 200, C replaced by T.
Protein change: p.Thr67Met; replaces threonine 67 with methionine.
Molecular consequence: missense variant.
Genome position (GRCh38, 1-based): chr19:49,637,084, G>A on the plus strand (C>T on the coding strand, the complement: RRAS is on the minus strand). VCF-style: chr19-49637084-G-A. GRCh37 (hg19) VCF-style: chr19-50140341-G-A.
Other names: c.200C>T (NM_006270.3); short protein forms T67M.
Identifiers: ClinVar variation 1418912 (VCV001418912.2), dbSNP rs778415296, ClinGen allele CA9579124.

ClinVar aggregate classification (germline): Uncertain significance. Review status: criteria provided, multiple submitters, no conflicts (2 of 4 stars). 2 submissions from 2 submitters: Uncertain significance (2). Last evaluated 2024-11-08.

Conditions:
Noonan syndrome (NS). Also called: Noonan's syndrome. Identifiers: Orphanet 648, MedGen C0028326, MeSH D009634, MONDO:0018997. Disease mechanism: gain of function.

Allele frequency attached by ClinVar (database versions not stated): gnomAD 0.00001; TOPMed 0.00001; gnomAD exomes 0.00002; ExAC 0.00003.
gnomAD v4.1: 34 of 1,613,502 alleles (0.0021%); highest among the groups gnomAD compares: African/African-American, 0.0027%; no homozygotes.

Submissions (2):

Ambry Genetics
Classification: Uncertain significance. Last evaluated: 2024-11-08. Review status: criteria provided, single submitter. Criteria: Ambry Variant Classification Scheme 2023. Collection method: clinical testing. Allele origin: germline.

Labcorp Genetics (formerly Invitae), Labcorp
Classification: Uncertain significance for Noonan syndrome. Last evaluated: 2021-09-09. Review status: criteria provided, single submitter. Criteria: Invitae Variant Classification Sherloc (09022015). Collection method: clinical testing. Allele origin: germline.
Comment: This sequence change replaces threonine with methionine at codon 67 of the RRAS protein (p.Thr67Met). The threonine residue is highly conserved and there is a moderate physicochemical difference between threonine and methionine. This variant is present in population databases (rs778415296, ExAC 0.009%). This variant has not been reported in the literature in individuals affected with RRAS-related conditions. Algorithms developed to predict the effect of missense changes on protein structure and function are either unavailable or do not agree on the potential impact of this missense change (SIFT: "Deleterious"; PolyPhen-2: "Benign"; Align-GVGD: "Class C0"). In summary, the available evidence is currently insufficient to determine the role of this variant in disease. Therefore, it has been classified as a Variant of Uncertain Significance.